The following is an entry in ClinVar:

ClinVar aggregate classification (germline): Uncertain significance. Review status: criteria provided, multiple submitters, no conflicts (2 of 4 stars). 2 submissions from 2 submitters: Uncertain significance (2). Last evaluated 2025-03-27.

Conditions:
Inborn genetic diseases. Identifiers: MedGen C0950123, MeSH D030342.

Allele frequency attached by ClinVar (database versions not stated): gnomAD 0.00001; gnomAD exomes 0.00001; TOPMed 0.00001.
gnomAD v4.1: 19 of 1,613,844 alleles (0.0012%); highest among the groups gnomAD compares: Non-Finnish European, 0.0015%; no homozygotes.

Submissions (2):

Ambry Genetics
Classification: Uncertain significance for Inborn genetic diseases. Last evaluated: 2025-03-27. Review status: criteria provided, single submitter. Criteria: Ambry Variant Classification Scheme 2023. Collection method: clinical testing. Allele origin: germline.

Labcorp Genetics (formerly Invitae), Labcorp
Classification: Uncertain significance. Last evaluated: 2022-06-27. Review status: criteria provided, single submitter. Criteria: Invitae Variant Classification Sherloc (09022015). Collection method: clinical testing. Allele origin: germline.
Comment: This variant has not been reported in the literature in individuals affected with GSN-related conditions. Algorithms developed to predict the effect of missense changes on protein structure and function (SIFT, PolyPhen-2, Align-GVGD) all suggest that this variant is likely to be tolerated. In summary, the available evidence is currently insufficient to determine the role of this variant in disease. Therefore, it has been classified as a Variant of Uncertain Significance. This variant is present in population databases (no rsID available, gnomAD 0.007%). This sequence change replaces lysine, which is basic and polar, with threonine, which is neutral and polar, at codon 658 of the GSN protein (p.Lys658Thr).

NM_198252.3(GSN):c.1820A>C (p.Lys607Thr)

Gene: GSN (gelsolin; plus strand). Cytogenetic location: 9q33.2.
Variant type: single nucleotide variant.
Coding change: c.1820A>C on transcript NM_198252.3 (MANE Select); coding-DNA position 1820, A replaced by C.
Protein change: p.Lys607Thr; replaces lysine 607 with threonine.
Molecular consequence: missense variant.
Genome position (GRCh38, 1-based): chr9:121,328,948, A>C. VCF-style: chr9-121328948-A-C. GRCh37 (hg19) VCF-style: chr9-124091226-A-C.
Other names: c.1820A>C, p.Lys607Thr (NM_001127664.2, NM_001127665.2, NM_001353058.2 and 10 more transcripts); c.1853A>C, p.Lys618Thr (NM_001127666.2, NM_001127667.2, NM_001353063.2 and 13 more transcripts); c.1871A>C, p.Lys624Thr (NM_001258029.2); c.1844A>C, p.Lys615Thr (NM_001258030.2); c.1166A>C, p.Lys389Thr (NM_001353078.2); c.1973A>C, p.Lys658Thr (NM_000177.5); c.1928A>C, p.Lys643Thr (NM_001127663.2); c.1973A>C (NM_000177.4); and 1 more; short protein forms K389T, K607T, K618T, K643T, K658T, K631T, K615T, K624T.
Identifiers: ClinVar variation 2174914 (VCV002174914.5), dbSNP rs1455727437, ClinGen allele CA374757615.
Genomic context (GRCh38, chr9:121,328,948, plus strand): 5'-CAGATGGCTTCTGGGAGGCCCTGGGCGGGAAGGCTGCCTACCGCACATCCCCACGGCTGA[A>C]GGACAAGAAGATGGATGCCCATCCTCCTCGCCTCTTTGCCTGCTCCAACAAGATTGGACG-3'
Protein context (NP_937895.1, residues 597-617): KAAYRTSPRL[Lys607Thr]DKKMDAHPPR